The following is an entry in ClinVar:

ClinVar aggregate classification (germline): Uncertain significance (1 of 4 stars; one submission).

Submission:

Labcorp Genetics (formerly Invitae), Labcorp
Classification: Uncertain significance. Last evaluated: 2024-09-11. Review status: criteria provided, single submitter. Criteria: Invitae Variant Classification Sherloc (09022015). Collection method: clinical testing. Allele origin: germline.
Comment: This sequence change replaces proline, which is neutral and non-polar, with alanine, which is neutral and non-polar, at codon 176 of the TBX6 protein (p.Pro176Ala). This variant is not present in population databases (gnomAD no frequency). This variant has not been reported in the literature in individuals affected with TBX6-related conditions. Invitae Evidence Modeling of protein sequence and biophysical properties (such as structural, functional, and spatial information, amino acid conservation, physicochemical variation, residue mobility, and thermodynamic stability) indicates that this missense variant is expected to disrupt TBX6 protein function with a positive predictive value of 80%. In summary, the available evidence is currently insufficient to determine the role of this variant in disease. Therefore, it has been classified as a Variant of Uncertain Significance.

NM_004608.4(TBX6):c.526C>G (p.Pro176Ala)

Gene: TBX6 (T-box transcription factor 6; minus strand). Cytogenetic location: 16p11.2.
Variant type: single nucleotide variant.
Coding change: c.526C>G on transcript NM_004608.4 (MANE Select); coding-DNA position 526, C replaced by G.
Protein change: p.Pro176Ala; replaces proline 176 with alanine.
Molecular consequence: missense variant.
Genome position (GRCh38, 1-based): chr16:30,089,038, G>C on the plus strand (C>G on the coding strand, the complement: TBX6 is on the minus strand). VCF-style: chr16-30089038-G-C. GRCh37 (hg19) VCF-style: chr16-30100359-G-C.
Other names: short protein forms P176A.
Identifiers: ClinVar variation 3647247 (VCV003647247.2).